The following continues an entry in ClinVar:

NM_000257.4(MYH7):c.2890G>C (p.Val964Leu)

Gene: MYH7. ClinVar aggregate classification (germline): Conflicting classifications of pathogenicity. Uncertain significance (8); Likely benign (15).

Submissions 23 to 25 of 25:

Stanford Center for Inherited Cardiovascular Disease, Stanford University
Classification: Uncertain significance. Last evaluated: 2015-02-25. Review status: criteria provided, single submitter. Criteria: ACMG Guidelines, 2015. Collection method: provider interpretation. Allele origin: germline.

Department of Pathology and Laboratory Medicine, Sinai Health System
Classification: Uncertain significance. Review status: no assertion criteria provided. Collection method: clinical testing. Allele origin: unknown. Affected: yes. Study: The Canadian Open Genetics Repository (COGR). Not counted in ClinVar's aggregate classification.
Comment: The MYH7 p.Val964Leu variant was identified in 3 of 1082 proband chromosomes (frequency: 0.0028) from individuals with dilated or hypertrophic cardiomyopathy (Maurizi_2018_PMID:29710196, Claes_2015_PMID:26497160, van-Spaendonck-Zwarts_2013_PMID:23349452). The variant was identified in dbSNP (ID: rs45496496) and ClinVar (classified as uncertain significance by GeneDx and nine other submitters, as likely benign by Invitae and two other submitters, and as likely pathogenic by Genomic Research Genter Shahid Beheshti University of Medical Sciences). The variant was identified in control databases in 124 of 282890 chromosomes at a frequency of 0.0004383 increasing the likelihood this could be a low frequency benign variant (Genome Aggregation Database March 6, 2019, v2.1.1). The variant was observed in the following populations: European (non-Finnish) in 109 of 129196 chromosomes (freq: 0.000844), South Asian in 13 of 30616 chromosomes (freq: 0.000425) and Latino in 2 of 35440 chromosomes (freq: 0.000056), but was not observed in the African, Ashkenazi Jewish, East Asian, European (Finnish), or Other populations. The p.Val964 residue is conserved in mammals and computational analyses (PolyPhen-2, SIFT, AlignGVGD, BLOSUM, MutationTaster) provide inconsistent predictions regarding the impact to the protein; this information is not very predictive of pathogenicity. The variant occurs outside of the splicing consensus sequence and in silico or computational prediction software programs (SpliceSiteFinder, MaxEntScan, NNSPLICE, GeneSplicer) do not predict a difference in splicing. In summary, based on the above information the clinical significance of this variant cannot be determined with certainty at this time. This variant is classified as a variant of uncertain significance.

Genomics England Pilot Project, Genomics England
Classification: Likely pathogenic for Hypertrophic cardiomyopathy 1. Review status: no assertion criteria provided. Criteria: ACGS Guidelines, 2016. Collection method: clinical testing. Allele origin: germline. Affected: yes. Not counted in ClinVar's aggregate classification.

Literature cited by the submitters: PubMed 23349452 (cited by 4 submitters); PubMed 23861362 (cited by 3 submitters); PubMed 19412328 (cited by 4 submitters); PubMed 22337857 (cited by 3 submitters); PubMed 23299917 (cited by 3 submitters); PubMed 24503780 (cited by Ambry Genetics and Women's Health and Genetics/Laboratory Corporation of America, LabCorp); PubMed 25351510 (cited by Ambry Genetics); PubMed 26220970 (cited by Ambry Genetics and Women's Health and Genetics/Laboratory Corporation of America, LabCorp); PubMed 26497160 (cited by 3 submitters); PubMed 26688388 (cited by 3 submitters); PubMed 27153395 (cited by Ambry Genetics); PubMed 27247418 (cited by Ambry Genetics); PubMed 28798025 (cited by Ambry Genetics); PubMed 23403236 (cited by Athena Diagnostics); PubMed 27600940 (cited by Athena Diagnostics and Women's Health and Genetics/Laboratory Corporation of America, LabCorp); PubMed 25163546 (cited by Women's Health and Genetics/Laboratory Corporation of America, LabCorp); PubMed 25125180 (cited by Women's Health and Genetics/Laboratory Corporation of America, LabCorp); PubMed 27576561 (cited by Women's Health and Genetics/Laboratory Corporation of America, LabCorp); PubMed 25649125 (cited by Women's Health and Genetics/Laboratory Corporation of America, LabCorp); PubMed 22958901 (cited by Women's Health and Genetics/Laboratory Corporation of America, LabCorp).